The following is an entry in ClinVar:

NM_000459.5(TEK):c.3114C>G (p.Pro1038=)

Gene: TEK (TEK receptor tyrosine kinase; plus strand). Cytogenetic location: 9p21.2.
Variant type: single nucleotide variant.
Coding change: c.3114C>G on transcript NM_000459.5 (MANE Select); coding-DNA position 3114, C replaced by G.
Protein change: p.Pro1038=; no amino-acid change (proline 1038 retained).
Molecular consequence: synonymous variant.
Genome position (GRCh38, 1-based): chr9:27,220,059, C>G. VCF-style: chr9-27220059-C-G. GRCh37 (hg19) VCF-style: chr9-27220057-C-G.
Other names: c.2985C>G, p.Pro995= (NM_001290077.2); c.2670C>G, p.Pro890= (NM_001290078.2); c.3111C>G, p.Pro1037= (NM_001375475.1); c.2982C>G, p.Pro994= (NM_001375476.1).
Identifiers: ClinVar variation 2068190 (VCV002068190.28), dbSNP rs145261015, ClinGen allele CA5016749.

ClinVar aggregate classification (germline): Likely benign. Review status: criteria provided, multiple submitters, no conflicts (2 of 4 stars). 2 submissions from 2 submitters: Likely benign (2). Last evaluated 2024-10-15.

Allele frequency attached by ClinVar (database versions not stated): ExAC 0.00006; gnomAD 0.00015; TOPMed 0.00022; ESP Exome Variant Server 0.00038.
gnomAD v4.1: 49 of 1,613,938 alleles (0.003%); highest among the groups gnomAD compares: African/African-American, 0.044%; no homozygotes.

Submissions (2):

Labcorp Genetics (formerly Invitae), Labcorp
Classification: Likely benign. Last evaluated: 2024-10-15. Review status: criteria provided, single submitter. Criteria: Invitae Variant Classification Sherloc (09022015). Collection method: clinical testing. Allele origin: germline.

CeGaT Center for Human Genetics Tuebingen
Classification: Likely benign. Last evaluated: 2022-04-01. Review status: criteria provided, single submitter. Criteria: CeGaT Center For Human Genetics Tuebingen Variant Classification Criteria Version 2. Collection method: clinical testing. Allele origin: germline. Affected: yes. Observed: 1 variant allele.
Comment: TEK: BP4, BP7